The following is an entry in ClinVar:

ClinVar aggregate classification (germline): Uncertain significance. Review status: criteria provided, multiple submitters, no conflicts (2 of 4 stars). 2 submissions from 2 submitters: Uncertain significance (2). Last evaluated 2023-05-16.

Conditions:
Hereditary cancer-predisposing syndrome. Also called: Tumor predisposition; Hereditary Cancer Syndrome; Neoplastic Syndromes, Hereditary; Hereditary neoplastic syndrome. Identifiers: Orphanet 140162, MedGen C0027672, MeSH D009386, MONDO:0015356.
Carney complex, type 1 (CNC1). Also called: CARNEY COMPLEX, TYPE I; CARNEY MYXOMA-ENDOCRINE COMPLEX. Identifiers: Orphanet 1359, MedGen C2607929, MONDO:0008057, OMIM 160980.

gnomAD v4.1: 3 of 1,613,360 alleles (0.00019%); highest among the groups gnomAD compares: Non-Finnish European, 0.00025%; no homozygotes.

Submissions (2):

Labcorp Genetics (formerly Invitae), Labcorp
Classification: Uncertain significance for Carney complex, type 1. Last evaluated: 2023-05-16. Review status: criteria provided, single submitter. Criteria: Invitae Variant Classification Sherloc (09022015). Collection method: clinical testing. Allele origin: germline.
Comment: In summary, the available evidence is currently insufficient to determine the role of this variant in disease. Therefore, it has been classified as a Variant of Uncertain Significance. An algorithm developed to predict the effect of missense changes on protein structure and function (PolyPhen-2) suggests that this variant is likely to be tolerated. ClinVar contains an entry for this variant (Variation ID: 1794665). This variant has not been reported in the literature in individuals affected with PRKAR1A-related conditions. This variant is not present in population databases (gnomAD no frequency). This sequence change replaces glutamine, which is neutral and polar, with leucine, which is neutral and non-polar, at codon 37 of the PRKAR1A protein (p.Gln37Leu).

Ambry Genetics
Classification: Uncertain significance for Hereditary cancer-predisposing syndrome. Last evaluated: 2022-02-26. Review status: criteria provided, single submitter. Criteria: Ambry Variant Classification Scheme 2023. Collection method: clinical testing. Allele origin: germline.
Comment: The p.Q37L variant (also known as c.110A>T), located in coding exon 1 of the PRKAR1A gene, results from an A to T substitution at nucleotide position 110. The glutamine at codon 37 is replaced by leucine, an amino acid with dissimilar properties. This amino acid position is conserved. In addition, the in silico prediction for this alteration is inconclusive. Since supporting evidence is limited at this time, the clinical significance of this alteration remains unclear.

NM_002734.5(PRKAR1A):c.110A>T (p.Gln37Leu)

Gene: PRKAR1A (protein kinase cAMP-dependent type I regulatory subunit alpha; plus strand). Cytogenetic location: 17q24.2.
Variant type: single nucleotide variant.
Coding change: c.110A>T on transcript NM_002734.5 (MANE Select); coding-DNA position 110, A replaced by T.
Protein change: p.Gln37Leu; replaces glutamine 37 with leucine.
Molecular consequence: missense variant.
Genome position (GRCh38, 1-based): chr17:68,515,509, A>T. VCF-style: chr17-68515509-A-T. GRCh37 (hg19) VCF-style: chr17-66511650-A-T.
Other names: c.110A>T, p.Gln37Leu (NM_001276289.2, NM_001276290.1, NM_001278433.2 and 4 more transcripts); short protein forms Q37L.
Identifiers: ClinVar variation 1794665 (VCV001794665.5), dbSNP rs2143151932, ClinGen allele CA400751988.
Genomic context (GRCh38, chr17:68,515,509, plus strand): 5'-AATGTGAGCTCTACGTCCAGAAGCATAACATTCAAGCGCTGCTCAAAGATTCTATTGTGC[A>T]GTTGTGCACTGCTCGACCTGAGAGACCCATGGCATTCCTCAGGGAATACTTTGAGAGGTT-3'
Protein context (NP_002725.1, residues 27-47): IQALLKDSIV[Gln37Leu]LCTARPERPM